The following is an entry in ClinVar:

ClinVar aggregate classification (germline): Uncertain significance (1 of 4 stars; one submission).

Conditions:
Dilated cardiomyopathy 1AA (CMD1AA). Also called: Cardiomyopathy, dilated, 1AA, with or without LVNC; CARDIOMYOPATHY, DILATED, 1AA, WITH OR WITHOUT LEFT VENTRICULAR NONCOMPACTION; CARDIOMYOPATHY, FAMILIAL HYPERTROPHIC, 23, WITH OR WITHOUT LEFT VENTRICULAR NONCOMPACTION. Identifiers: Orphanet 154, MedGen C2677338, MONDO:0012808, OMIM 612158.
Primary familial hypertrophic cardiomyopathy (HCM). Identifiers: Orphanet 99739, MedGen C0949658, MeSH D024741, MONDO:0024573. Inheritance: Various modes of inheritance.

gnomAD v4.1: 12 of 1,613,740 alleles (0.00074%); highest among the groups gnomAD compares: Non-Finnish European, 0.001%; no homozygotes.

Submission:

Labcorp Genetics (formerly Invitae), Labcorp
Classification: Uncertain significance for Primary familial hypertrophic cardiomyopathy; Dilated cardiomyopathy 1AA. Last evaluated: 2024-12-17. Review status: criteria provided, single submitter. Criteria: Invitae Variant Classification Sherloc (09022015). Collection method: clinical testing. Allele origin: germline.
Comment: This sequence change replaces lysine, which is basic and polar, with arginine, which is basic and polar, at codon 615 of the ACTN2 protein (p.Lys615Arg). The frequency data for this variant in the population databases is considered unreliable, as metrics indicate poor data quality at this position in the gnomAD database. This variant has not been reported in the literature in individuals affected with ACTN2-related conditions. Invitae Evidence Modeling of protein sequence and biophysical properties (such as structural, functional, and spatial information, amino acid conservation, physicochemical variation, residue mobility, and thermodynamic stability) indicates that this missense variant is not expected to disrupt ACTN2 protein function with a negative predictive value of 80%. In summary, the available evidence is currently insufficient to determine the role of this variant in disease. Therefore, it has been classified as a Variant of Uncertain Significance.

NM_001103.4(ACTN2):c.1844A>G (p.Lys615Arg)

Gene: ACTN2 (actinin alpha 2; plus strand). Cytogenetic location: 1q43.
Variant type: single nucleotide variant.
Coding change: c.1844A>G on transcript NM_001103.4 (MANE Select); coding-DNA position 1844, A replaced by G.
Protein change: p.Lys615Arg; replaces lysine 615 with arginine.
Molecular consequence: missense variant. On other transcripts: non-coding transcript variant (1).
Genome position (GRCh38, 1-based): chr1:236,753,951, A>G. VCF-style: chr1-236753951-A-G. GRCh37 (hg19) VCF-style: chr1-236917251-A-G.
Other names: c.1844A>G, p.Lys615Arg (NM_001278343.2); short protein forms K615R.
Identifiers: ClinVar variation 3761213 (VCV003761213.2).